The following is an entry in ClinVar:

ClinVar aggregate classification (germline): Uncertain significance (1 of 4 stars; one submission).

Allele frequency attached by ClinVar (database versions not stated): gnomAD 0.00001; ExAC 0.00002; gnomAD exomes 0.00002; TOPMed 0.00003; ESP Exome Variant Server 0.00008.
gnomAD v4.1: 26 of 1,614,012 alleles (0.0016%); highest among the groups gnomAD compares: East Asian, 0.0067%; no homozygotes.

Submission:

Labcorp Genetics (formerly Invitae), Labcorp
Classification: Uncertain significance. Last evaluated: 2023-08-14. Review status: criteria provided, single submitter. Criteria: Invitae Variant Classification Sherloc (09022015). Collection method: clinical testing. Allele origin: germline.
Comment: This sequence change replaces isoleucine, which is neutral and non-polar, with valine, which is neutral and non-polar, at codon 214 of the ELOVL5 protein (p.Ile214Val). The frequency data for this variant in the population databases is considered unreliable, as metrics indicate poor data quality at this position in the gnomAD database. This variant has not been reported in the literature in individuals affected with ELOVL5-related conditions. Advanced modeling of protein sequence and biophysical properties (such as structural, functional, and spatial information, amino acid conservation, physicochemical variation, residue mobility, and thermodynamic stability) performed at Invitae indicates that this missense variant is not expected to disrupt ELOVL5 protein function. In summary, the available evidence is currently insufficient to determine the role of this variant in disease. Therefore, it has been classified as a Variant of Uncertain Significance.

NM_021814.5(ELOVL5):c.640A>G (p.Ile214Val)

Gene: ELOVL5 (ELOVL fatty acid elongase 5; minus strand). Cytogenetic location: 6p12.1.
Variant type: single nucleotide variant.
Coding change: c.640A>G on transcript NM_021814.5 (MANE Select); coding-DNA position 640, A replaced by G.
Protein change: p.Ile214Val; replaces isoleucine 214 with valine.
Molecular consequence: missense variant.
Genome position (GRCh38, 1-based): chr6:53,270,709, T>C on the plus strand (A>G on the coding strand, the complement: ELOVL5 is on the minus strand). VCF-style: chr6-53270709-T-C. GRCh37 (hg19) VCF-style: chr6-53135507-T-C.
Other names: c.721A>G, p.Ile241Val (NM_001242828.2); c.515A>G, p.Asn172Ser (NM_001242830.2); c.640A>G, p.Ile214Val (NM_001301856.2); short protein forms N172S, I214V, I241V.
Identifiers: ClinVar variation 2907574 (VCV002907574.3), dbSNP rs200213620, ClinGen allele CA3859655.